The following is an entry in ClinVar:

ClinVar aggregate classification (germline): Uncertain significance. Review status: criteria provided, multiple submitters, no conflicts (2 of 4 stars). 6 submissions from 6 submitters: Uncertain significance (6). Last evaluated 2025-12-08.

Conditions:
Hereditary cancer-predisposing syndrome. Also called: Tumor predisposition; Neoplastic Syndromes, Hereditary; Hereditary Cancer Syndrome; Hereditary neoplastic syndrome. Identifiers: Orphanet 140162, MedGen C0027672, MeSH D009386, MONDO:0015356.
Familial cancer of breast. Also called: Hereditary breast cancer; BREAST CANCER, FAMILIAL; hereditary breast carcinoma. Identifiers: Orphanet 227535, MedGen C0346153, MONDO:0016419, OMIM 114480. Disease mechanism: loss of function.
Ataxia-telangiectasia syndrome (AT). Also called: Ataxia-telangiectasia; Cerebello-oculocutaneous telangiectasia; Immunodeficiency with ataxia telangiectasia; ATAXIA-TELANGIECTASIA, COMPLEMENTATION GROUP A; ATAXIA-TELANGIECTASIA, FRESNO VARIANT; Ataxia-telangiectasia, complementation group D. Identifiers: Orphanet 100, MedGen C0004135, MONDO:0008840, OMIM 208900.

Allele frequency attached by ClinVar (database versions not stated): gnomAD exomes below 0.00001; gnomAD 0.00001; TOPMed 0.00002.
gnomAD v4.1: 4 of 1,608,352 alleles (0.00025%); highest among the groups gnomAD compares: African/African-American, 0.0013%; no homozygotes.

Submissions (6):

Labcorp Genetics (formerly Invitae), Labcorp
Classification: Uncertain significance for Ataxia-telangiectasia syndrome. Last evaluated: 2025-12-08. Review status: criteria provided, single submitter. Criteria: Invitae Variant Classification Sherloc (09022015). Collection method: clinical testing. Allele origin: germline.
Comment: This sequence change replaces alanine, which is neutral and non-polar, with aspartic acid, which is acidic and polar, at codon 295 of the ATM protein (p.Ala295Asp). This variant is not present in population databases (gnomAD no frequency). This variant has not been reported in the literature in individuals affected with ATM-related conditions. ClinVar contains an entry for this variant (Variation ID: 418840). Invitae Evidence Modeling of protein sequence and biophysical properties (such as structural, functional, and spatial information, amino acid conservation, physicochemical variation, residue mobility, and thermodynamic stability) indicates that this missense variant is not expected to disrupt ATM protein function with a negative predictive value of 95%. In summary, the available evidence is currently insufficient to determine the role of this variant in disease. Therefore, it has been classified as a Variant of Uncertain Significance.

Quest Diagnostics Nichols Institute San Juan Capistrano
Classification: Uncertain significance. Last evaluated: 2025-06-03. Review status: criteria provided, single submitter. Criteria: Quest Diagnostics criteria. Collection method: clinical testing. Allele origin: unknown.

Ambry Genetics
Classification: Uncertain significance for Hereditary cancer-predisposing syndrome. Last evaluated: 2024-10-18. Review status: criteria provided, single submitter. Criteria: Ambry Variant Classification Scheme 2023. Collection method: clinical testing. Allele origin: germline.
Comment: The p.A295D variant (also known as c.884C>A), located in coding exon 6 of the ATM gene, results from a C to A substitution at nucleotide position 884. The alanine at codon 295 is replaced by aspartic acid, an amino acid with dissimilar properties. This amino acid position is highly conserved in available vertebrate species. In addition, the in silico prediction for this alteration is inconclusive. Based on the available evidence, the clinical significance of this variant remains unclear.

Baylor Genetics
Classification: Uncertain significance for Familial cancer of breast. Last evaluated: 2023-09-28. Review status: criteria provided, single submitter. Criteria: ACMG Guidelines, 2015. Collection method: clinical testing. Allele origin: unknown.

Color Diagnostics, LLC DBA Color Health
Classification: Uncertain significance for Hereditary cancer-predisposing syndrome. Last evaluated: 2023-02-17. Review status: criteria provided, single submitter. Criteria: ACMG Guidelines, 2015. Collection method: clinical testing. Allele origin: germline.
Comment: This missense variant replaces alanine with aspartic acid at codon 295 of the ATM protein. Computational prediction suggests that this variant may not impact protein structure and function (internally defined REVEL score threshold <= 0.5, PMID: 27666373). To our knowledge, functional studies have not been reported for this variant. This variant has not been reported in individuals affected with ATM-related disorders in the literature. This variant has not been identified in the general population by the Genome Aggregation Database (gnomAD). The available evidence is insufficient to determine the role of this variant in disease conclusively. Therefore, this variant is classified as a Variant of Uncertain Significance.

GeneDx
Classification: Uncertain significance. Last evaluated: 2015-04-06. Review status: criteria provided, single submitter. Criteria: GeneDx Variant Classification (06012015). Collection method: clinical testing. Allele origin: germline. Affected: yes.
Comment: This variant is denoted ATM c.884C>A at the cDNA level, p.Ala295Asp (A295D) at the protein level, and results in the change of an Alanine to an Aspartic Acid (GCC>GAC). This variant has not, to our knowledge, been published in the literature as pathogenic or benign. ATM Ala295Asp was not observed in approximately 6,500 individuals of European and African American ancestry in the NHLBI Exome Sequencing Project, indicating it is not a common benign variant in these populations. Since Alanine and Aspartic Acid differ in polarity, charge, size or other properties, this is considered a non-conservative amino acid substitution. ATM Ala295Asp occurs at a position that is conserved across species and is not located in a known functional domain (Uniprot). In silico analyses predict that this variant is probably damaging to protein structure and function. Based on currently available information, it is unclear whether ATM Ala295Asp is pathogenic or benign. We consider it to be a variant of uncertain significance.

NM_000051.4(ATM):c.884C>A (p.Ala295Asp)

Gene: ATM (ATM serine/threonine kinase; plus strand). Cytogenetic location: 11q22.3.
Variant type: single nucleotide variant.
Coding change: c.884C>A on transcript NM_000051.4 (MANE Select); coding-DNA position 884, C replaced by A.
Protein change: p.Ala295Asp; replaces alanine 295 with aspartic acid.
Molecular consequence: missense variant.
Genome position (GRCh38, 1-based): chr11:108,245,009, C>A. VCF-style: chr11-108245009-C-A. GRCh37 (hg19) VCF-style: chr11-108115736-C-A.
Other names: c.884C>A, p.Ala295Asp (NM_001351834.2); short protein forms A295D.
Identifiers: ClinVar variation 418840 (VCV000418840.21), dbSNP rs1044092081, ClinGen allele CA16619101.